The following is an entry in ClinVar:

NM_004370.6(COL12A1):c.2374G>A (p.Val792Ile)

Gene: COL12A1 (collagen type XII alpha 1 chain; minus strand). Cytogenetic location: 6q13.
Variant type: single nucleotide variant.
Coding change: c.2374G>A on transcript NM_004370.6 (MANE Select); coding-DNA position 2374, G replaced by A.
Protein change: p.Val792Ile; replaces valine 792 with isoleucine.
Molecular consequence: missense variant. On other transcripts: intron variant (1).
Genome position (GRCh38, 1-based): chr6:75,177,726, C>T on the plus strand (G>A on the coding strand, the complement: COL12A1 is on the minus strand). VCF-style: chr6-75177726-C-T. GRCh37 (hg19) VCF-style: chr6-75887442-C-T.
Other names: c.73+24994G>A (NM_080645.3); short protein forms V792I.
Identifiers: ClinVar variation 573765 (VCV000573765.14), dbSNP rs375704787, ClinGen allele CA3893997.

ClinVar aggregate classification (germline): Conflicting classifications of pathogenicity. Review status: criteria provided, conflicting classifications (1 of 4 stars). 5 submissions from 5 submitters: Uncertain significance (3); Likely benign (2). Last evaluated 2026-08-01.

Conditions:
Ullrich congenital muscular dystrophy 2 (UCMD2). Identifiers: Orphanet 75840, MedGen C4225314, MONDO:0014654, OMIM 616470.
Bethlem myopathy 2 (BTHLM2). Identifiers: Orphanet 536516, Orphanet 610, MedGen C4225313, MONDO:0034022, OMIM 616471.
Inborn genetic diseases. Identifiers: MedGen C0950123, MeSH D030342.

Allele frequency attached by ClinVar (database versions not stated): gnomAD exomes 0.00001 and 0.00008; gnomAD 0.00003; ExAC 0.00006; TOPMed 0.00006; 1000 Genomes Project 30x 0.00016; 1000 Genomes Project 0.00020.
gnomAD v4.1: 25 of 1,614,090 alleles (0.0015%); highest among the groups gnomAD compares: East Asian, 0.045%; no homozygotes.

Submissions (5):

CeGaT Center for Human Genetics Tuebingen
Classification: Likely benign. Last evaluated: 2026-08-01. Review status: criteria provided, single submitter. Criteria: CeGaT Center For Human Genetics Tuebingen Variant Classification Criteria Version 2. Collection method: clinical testing. Allele origin: germline. Affected: yes. Observed: 1 variant allele.
Comment: COL12A1: BP4

Women's Health and Genetics/Laboratory Corporation of America, LabCorp
Classification: Uncertain significance. Last evaluated: 2026-05-05. Review status: criteria provided, single submitter. Criteria: LabCorp Variant Classification Summary - May 2015. Collection method: clinical testing. Allele origin: germline.
Comment: Variant summary: COL12A1 c.2374G>A (p.Val792Ile) results in a conservative amino acid change in the encoded protein sequence. Algorithms developed to predict the effect of missense changes on protein structure and function are either unavailable or do not agree on the potential impact of this missense change. The variant allele was found at a frequency of 8.4e-05 in 249304 control chromosomes. This frequency is not significantly higher than estimated for disease-causing variants in COL12A1, allowing no conclusion about variant significance. To our knowledge, no occurrence of c.2374G>A in individuals affected with COL12A1-related conditions and no experimental evidence demonstrating its impact on protein function have been reported. ClinVar contains an entry for this variant (Variation ID: 573765). Based on the evidence outlined above, the variant was classified as uncertain significance.

Ambry Genetics
Classification: Uncertain significance for Inborn genetic diseases. Last evaluated: 2025-03-31. Review status: criteria provided, single submitter. Criteria: Ambry Variant Classification Scheme 2023. Collection method: clinical testing. Allele origin: germline.

Labcorp Genetics (formerly Invitae), Labcorp
Classification: Likely benign for Bethlem myopathy 2; Ullrich congenital muscular dystrophy 2. Last evaluated: 2024-04-25. Review status: criteria provided, single submitter. Criteria: Invitae Variant Classification Sherloc (09022015). Collection method: clinical testing. Allele origin: germline.

Blueprint Genetics
Classification: Uncertain significance. Last evaluated: 2023-11-14. Review status: criteria provided, single submitter. Criteria: ACMG Guidelines, 2015. Collection method: clinical testing. Allele origin: germline.